The following is an entry in ClinVar:

NM_001130823.3(DNMT1):c.769-4T>G

Gene: DNMT1 (DNA methyltransferase 1; minus strand). Cytogenetic location: 19p13.2.
Variant type: single nucleotide variant.
Coding change: c.769-4T>G on transcript NM_001130823.3 (MANE Select); 4 bases into the intron before coding-DNA position 769, T replaced by G.
Molecular consequence: intron variant.
Genome position (GRCh38, 1-based): chr19:10,168,368, A>C on the plus strand (T>G on the coding strand, the complement: DNMT1 is on the minus strand). VCF-style: chr19-10168368-A-C. GRCh37 (hg19) VCF-style: chr19-10279044-A-C.
Other names: c.406-4T>G (NM_001318731.2); c.721-4T>G (NM_001379.4, NM_001318730.2).
Identifiers: ClinVar variation 1010647 (VCV001010647.10), dbSNP rs2038736631, ClinGen allele CA2322295935.

ClinVar aggregate classification (germline): Conflicting classifications of pathogenicity. Review status: criteria provided, conflicting classifications (1 of 4 stars). 2 submissions from 2 submitters: Uncertain significance (1); Likely benign (1). Last evaluated 2024-01-22.

Conditions:
Inborn genetic diseases. Identifiers: MedGen C0950123, MeSH D030342.
Hereditary sensory neuropathy-deafness-dementia syndrome. Also called: Hereditary Sensory and Autonomic Neuropathy Type 1E (HSAN1E); HSN IE; Hereditary sensory neuropathy type IE; NEUROPATHY, HEREDITARY SENSORY, WITH HEARING LOSS AND DEMENTIA. Identifiers: Orphanet 456318, MedGen C3279885, MONDO:0013584, OMIM 614116.

Allele frequency attached by ClinVar (database versions not stated): gnomAD exomes below 0.00001; TOPMed 0.00001.
gnomAD v4.1: 5 of 1,614,016 alleles (0.00031%); highest among the groups gnomAD compares: African/African-American, 0.0013%; no homozygotes.

Submissions (2):

Labcorp Genetics (formerly Invitae), Labcorp
Classification: Likely benign for Hereditary sensory neuropathy-deafness-dementia syndrome. Last evaluated: 2024-01-22. Review status: criteria provided, single submitter. Criteria: Invitae Variant Classification Sherloc (09022015). Collection method: clinical testing. Allele origin: germline.

Ambry Genetics
Classification: Uncertain significance for Inborn genetic diseases. Last evaluated: 2021-03-22. Review status: criteria provided, single submitter. Criteria: Ambry Variant Classification Scheme 2023. Collection method: clinical testing. Allele origin: germline.
Comment: The c.721-4T>G intronic variant results from a T to G substitution 4 nucleotides upstream from coding exon 9 in the DNMT1 gene. This nucleotide position is well conserved in available vertebrate species. In silico splice site analysis predicts that this alteration will not have any significant effect on splicing. Since supporting evidence is limited at this time, the clinical significance of this alteration remains unclear.